The following is an entry in ClinVar:

NM_002474.3(MYH11):c.3551A>G (p.Asp1184Gly)

Gene: MYH11 (myosin heavy chain 11; minus strand). Cytogenetic location: 16p13.11.
Variant type: single nucleotide variant.
Coding change: c.3551A>G on transcript NM_002474.3 (MANE Select); coding-DNA position 3551, A replaced by G.
Protein change: p.Asp1184Gly; replaces aspartic acid 1184 with glycine.
Molecular consequence: missense variant.
Genome position (GRCh38, 1-based): chr16:15,732,664, T>C on the plus strand (A>G on the coding strand, the complement: MYH11 is on the minus strand). VCF-style: chr16-15732664-T-C. GRCh37 (hg19) VCF-style: chr16-15826521-T-C.
Other names: c.3572A>G, p.Asp1191Gly (NM_001040113.2, NM_001040114.2); c.3551A>G, p.Asp1184Gly (NM_022844.3); short protein forms D1184G, D1191G.
Identifiers: ClinVar variation 4763160 (VCV004763160.1).
Genomic context (GRCh38, chr16:15,732,664, plus strand): 5'-GCCTGTGCGTGTTTCTGCCTCATCTCCTGGACCTGAGCCTCATGGGACCGCGTCTCTTCA[T>C]CCAGGGCCTTCTTCAGCACCGTCACCTCCTGCTCCCTCTTGGCCCTTGGTGGGAGGAACA-3'
Protein context (NP_002465.1, residues 1174-1194): QEVTVLKKAL[Asp1184Gly]EETRSHEAQV

ClinVar aggregate classification (germline): Uncertain significance (1 of 4 stars; one submission).

Conditions:
Aortic aneurysm, familial thoracic 4 (AAT4). Also called: AORTIC ANEURYSM/AORTIC DISSECTION AND PATENT DUCTUS ARTERIOSUS. Identifiers: MedGen C1851504, MONDO:0007568, OMIM 132900.

Submission:

Labcorp Genetics (formerly Invitae), Labcorp
Classification: Uncertain significance for Aortic aneurysm, familial thoracic 4. Last evaluated: 2025-12-24. Review status: criteria provided, single submitter. Criteria: Invitae Variant Classification Sherloc (09022015). Collection method: clinical testing. Allele origin: germline.
Comment: This sequence change replaces aspartic acid, which is acidic and polar, with glycine, which is neutral and non-polar, at codon 1191 of the MYH11 protein (p.Asp1191Gly). This variant is not present in population databases (gnomAD no frequency). This variant has not been reported in the literature in individuals affected with MYH11-related conditions. Invitae Evidence Modeling of protein sequence and biophysical properties (such as structural, functional, and spatial information, amino acid conservation, physicochemical variation, residue mobility, and thermodynamic stability) indicates that this missense variant is not expected to disrupt MYH11 protein function with a negative predictive value of 95%. In summary, the available evidence is currently insufficient to determine the role of this variant in disease. Therefore, it has been classified as a Variant of Uncertain Significance.